The following is an entry in ClinVar:

NM_007294.3:c.5075_5193del

Gene: BRCA1 (BRCA1 DNA repair associated; minus strand).
Variant type: Deletion.
Identifiers: ClinVar variation 1809530 (VCV001809530.2).

ClinVar aggregate classification (germline): Pathogenic (1 of 4 stars; one submission).

Submission:

Quest Diagnostics Nichols Institute San Juan Capistrano
Classification: Pathogenic. Last evaluated: 2025-10-27. Review status: criteria provided, single submitter. Criteria: Quest Diagnostics criteria. Collection method: clinical testing. Allele origin: unknown.
Comment: A deletion of exons 17-18 (c.5075_5193, also known as exons 18-19 in legacy exon nomenclature) in the BRCA1 gene is predicted to disrupt the translation reading frame of the BRCA1 mRNA and result in the premature termination of BRCA1 protein synthesis. In the published literature, a similar deletion of exons 17-18 in the BRCA1 gene has been reported in individuals with breast and/or ovarian cancer (PMID: 12700174 (2003), 17561994 (2007), 17333342 (2007), 34254208 (2021), 34413315 (2021)). This variant has not been reported in large, multi-ethnic general populations (Genome Aggregation Database). Based on the available information, this variant is classified as pathogenic.

Literature cited by the submitters: PubMed 17333342; PubMed 34413315; PubMed 34254208; PubMed 17561994; PubMed 12700174; PubMed 20638108.